The following is an entry in ClinVar:

ClinVar aggregate classification (germline): Benign. Review status: criteria provided, multiple submitters, no conflicts (2 of 4 stars). 3 submissions from 3 submitters: Benign (2). 1 of the submissions does not count toward it. Last evaluated 2021-05-04.

Conditions:
DNAH17-related disorder. Also called: DNAH17-related condition.

Allele frequency attached by ClinVar (database versions not stated): 1000 Genomes Project 0.02796; gnomAD 0.02802 and 0.02917; 1000 Genomes Project 30x 0.02889; TOPMed 0.02986; ESP Exome Variant Server 0.03275; gnomAD exomes 0.03697 and 0.04016; ExAC 0.03861.
gnomAD v4.1: 63,044 of 1,613,992 alleles (3.9%); highest among the groups gnomAD compares: South Asian, 7.6%; 1,543 homozygotes.

Submissions (3):

GeneDx
Classification: Benign. Last evaluated: 2021-05-04. Review status: criteria provided, single submitter. Criteria: GeneDx Variant Classification Process June 2021. Collection method: clinical testing. Allele origin: germline. Affected: yes.

Breakthrough Genomics
Classification: Benign. Review status: criteria provided, single submitter. Criteria: ACMG Guidelines, 2015. Collection method: not provided. Allele origin: germline. Inheritance: Autosomal recessive inheritance. Affected: yes.

PreventionGenetics, part of Exact Sciences
Classification: Benign for DNAH17-related condition. Last evaluated: 2019-04-15. Review status: no assertion criteria provided. Collection method: clinical testing. Allele origin: germline. Not counted in ClinVar's aggregate classification.
Comment: This variant is classified as benign based on ACMG/AMP sequence variant interpretation guidelines (Richards et al. 2015 PMID: 25741868, with internal and published modifications).

NM_173628.4(DNAH17):c.10791T>C (p.Asp3597=)

Gene: DNAH17 (dynein axonemal heavy chain 17; minus strand). Cytogenetic location: 17q25.3.
Variant type: single nucleotide variant.
Coding change: c.10791T>C on transcript NM_173628.4 (MANE Select); coding-DNA position 10791, T replaced by C.
Protein change: p.Asp3597=; no amino-acid change (aspartic acid 3597 retained).
Molecular consequence: synonymous variant.
Genome position (GRCh38, 1-based): chr17:78,450,790, A>G on the plus strand (T>C on the coding strand, the complement: DNAH17 is on the minus strand). VCF-style: chr17-78450790-A-G. GRCh37 (hg19) VCF-style: chr17-76446872-A-G.
Identifiers: ClinVar variation 1233691 (VCV001233691.6), dbSNP rs35957404, ClinGen allele CA8800711.
Genomic context (GRCh38, chr17:78,450,790, plus strand): 5'-CACCAAGGCCGTGTCTCCCAGAAAGTTCCCCGACGCAGCCGACAGACGGGCCAGGAGCGA[A>G]TCTTCCAGCTCTTTCAGAACAATCTTAAATTCGTTTTGAGACTTGGTGAGGTTTGCCTGC-3'
Protein context (NP_775899.3, residues 3587-3607): EFKIVLKELE[Asp3597=]SLLARLSAAS